The following is an entry in ClinVar:

ClinVar aggregate classification (germline): Uncertain significance (1 of 4 stars; one submission).

Conditions:
Thrombomodulin-related bleeding disorder (THPH12). Also called: Thrombophilia due to thrombomodulin defect. Identifiers: Orphanet 436169, MedGen C3280976, MONDO:0013775, OMIM 614486.

Submission:

Genomenon, Inc
Classification: Uncertain significance for Thrombomodulin-related bleeding disorder. Last evaluated: 2025-09-22. Review status: criteria provided, single submitter. Criteria: Genomenon Sequence Variant Interpretation Standards - Updated. Collection method: curation. Allele origin: germline. Affected: no.
Comment: THBD p.Asp441Ala (c.1322A>C) is a missense variant that changes the amino acid at residue 441 from Aspartic acid to Alanine. This variant has been reported in the published literature (PMID:8381415). It is absent or not present at a significant frequency in gnomAD. In silico models agree that this variant is possibly or probably damaging. In conclusion, we classify THBD p.Asp441Ala (c.1322A>C) as a variant of unknown significance.

Literature cited by the submitters: PubMed 8381415.

NM_000361.3(THBD):c.1322A>C (p.Asp441Ala)

Gene: THBD (thrombomodulin; minus strand). Cytogenetic location: 20p11.21.
Variant type: single nucleotide variant.
Coding change: c.1322A>C on transcript NM_000361.3 (MANE Select); coding-DNA position 1322, A replaced by C.
Protein change: p.Asp441Ala; replaces aspartic acid 441 with alanine.
Molecular consequence: missense variant.
Genome position (GRCh38, 1-based): chr20:23,048,183, T>G on the plus strand (A>C on the coding strand, the complement: THBD is on the minus strand). VCF-style: chr20-23048183-T-G. GRCh37 (hg19) VCF-style: chr20-23028820-T-G.
Other names: short protein forms D441A.
Identifiers: ClinVar variation 4280453 (VCV004280453.1).